The following is an entry in ClinVar:

NM_003072.5(SMARCA4):c.3898G>C (p.Glu1300Gln)

Gene: SMARCA4 (SWI/SNF related BAF chromatin remodeling complex subunit ATPase 4; plus strand). Cytogenetic location: 19p13.2.
Variant type: single nucleotide variant.
Coding change: c.3898G>C on transcript NM_003072.5 (MANE Select); coding-DNA position 3898, G replaced by C.
Protein change: p.Glu1300Gln; replaces glutamic acid 1300 with glutamine.
Molecular consequence: missense variant. On other transcripts: non-coding transcript variant (1).
Genome position (GRCh38, 1-based): chr19:11,034,147, G>C. VCF-style: chr19-11034147-G-C. GRCh37 (hg19) VCF-style: chr19-11144823-G-C.
Other names: c.3898G>C, p.Glu1300Gln (NM_001128844.3, NM_001128849.3, NM_001387283.1); c.3799G>C, p.Glu1267Gln (NM_001128845.2, NM_001128846.2, NM_001128847.4 and 3 more transcripts); short protein forms E1267Q, E1300Q.
Identifiers: ClinVar variation 3572641 (VCV003572641.2).

ClinVar aggregate classification (germline): Uncertain significance (1 of 4 stars; one submission).

Submission:

GeneDx
Classification: Uncertain significance. Last evaluated: 2025-01-15. Review status: criteria provided, single submitter. Criteria: GeneDx Variant Classification Process June 2021. Collection method: clinical testing. Allele origin: germline.
Comment: Not observed at significant frequency in large population cohorts (gnomAD); In silico analysis supports that this missense variant has a deleterious effect on protein structure/function; Has not been previously published as pathogenic or benign to our knowledge